The following is an entry in ClinVar:

ClinVar aggregate classification (germline): Uncertain significance (1 of 4 stars; one submission).

Conditions:
Hereditary cancer-predisposing syndrome. Also called: Hereditary Cancer Syndrome; Hereditary neoplastic syndrome; Neoplastic Syndromes, Hereditary; Tumor predisposition. Identifiers: Orphanet 140162, MedGen C0027672, MeSH D009386, MONDO:0015356.

Submission:

Ambry Genetics
Classification: Uncertain significance for Hereditary cancer-predisposing syndrome. Last evaluated: 2020-09-10. Review status: criteria provided, single submitter. Criteria: Ambry Variant Classification Scheme 2023. Collection method: clinical testing. Allele origin: germline.
Comment: The p.E40D variant (also known as c.120G>T), located in coding exon 1 of the RB1 gene, results from a G to T substitution at nucleotide position 120. The glutamic acid at codon 40 is replaced by aspartic acid, an amino acid with highly similar properties. This amino acid position is well conserved in available vertebrate species. In addition, this alteration is predicted to be tolerated by in silico analysis. Since supporting evidence is limited at this time, the clinical significance of this alteration remains unclear.

NM_000321.3(RB1):c.120G>T (p.Glu40Asp)

Gene: RB1 (RB transcriptional corepressor 1; plus strand). Cytogenetic location: 13q14.2.
Variant type: single nucleotide variant.
Coding change: c.120G>T on transcript NM_000321.3 (MANE Select); coding-DNA position 120, G replaced by T.
Protein change: p.Glu40Asp; replaces glutamic acid 40 with aspartic acid.
Molecular consequence: missense variant.
Genome position (GRCh38, 1-based): chr13:48,304,032, G>T. VCF-style: chr13-48304032-G-T. GRCh37 (hg19) VCF-style: chr13-48878168-G-T.
Other names: c.120G>T, p.Glu40Asp (NM_001407165.1, NM_001407166.1, NM_001407167.1); short protein forms E40D.
Identifiers: ClinVar variation 1750049 (VCV001750049.2), dbSNP rs2138027962, ClinGen allele CA388250371.